The following is an entry in ClinVar:

ClinVar aggregate classification (germline): Conflicting classifications of pathogenicity. Review status: criteria provided, conflicting classifications (1 of 4 stars). 3 submissions from 3 submitters: Uncertain significance (2); Likely benign (1). Last evaluated 2024-11-09.

Conditions:
Hereditary cancer-predisposing syndrome. Also called: Neoplastic Syndromes, Hereditary; Hereditary Cancer Syndrome; Tumor predisposition; Hereditary neoplastic syndrome. Identifiers: Orphanet 140162, MedGen C0027672, MeSH D009386, MONDO:0015356.
Intellectual disability, autosomal dominant 16 (CSS4). Also called: COFFIN-SIRIS SYNDROME 4. Identifiers: Orphanet 1465, MedGen C3553249, MONDO:0013821, OMIM 614609.
Rhabdoid tumor predisposition syndrome 2 (RTPS2). Identifiers: Orphanet 231108, Orphanet 69077, MedGen C2750074, MONDO:0013224, OMIM 613325.

Submissions (3):

Ambry Genetics
Classification: Likely benign for Hereditary cancer-predisposing syndrome. Last evaluated: 2024-11-09. Review status: criteria provided, single submitter. Criteria: Ambry Variant Classification Scheme 2023. Collection method: clinical testing. Allele origin: germline.

Labcorp Genetics (formerly Invitae), Labcorp
Classification: Uncertain significance for Rhabdoid tumor predisposition syndrome 2. Last evaluated: 2021-11-29. Review status: criteria provided, single submitter. Criteria: Invitae Variant Classification Sherloc (09022015). Collection method: clinical testing. Allele origin: germline.
Comment: In summary, the available evidence is currently insufficient to determine the role of this variant in disease. Therefore, it has been classified as a Variant of Uncertain Significance. Algorithms developed to predict the effect of missense changes on protein structure and function are either unavailable or do not agree on the potential impact of this missense change (SIFT: "Deleterious"; PolyPhen-2: "Possibly Damaging"; Align-GVGD: "Class C0"). This variant has not been reported in the literature in individuals affected with SMARCA4-related conditions. This variant is not present in population databases (gnomAD no frequency). This sequence change replaces threonine, which is neutral and polar, with alanine, which is neutral and non-polar, at codon 565 of the SMARCA4 protein (p.Thr565Ala).

Victorian Clinical Genetics Services, Murdoch Childrens Research Institute
Classification: Uncertain significance for Intellectual disability, autosomal dominant 16. Last evaluated: 2020-05-21. Review status: criteria provided, single submitter. Criteria: ACMG Guidelines, 2015. Collection method: clinical testing. Allele origin: germline. Inheritance: Autosomal dominant inheritance. Affected: yes.
Comment: A heterozygous missense variant was identified, NM_001128849.1(SMARCA4):c.1693A>G in exon 10 of 36 of the SMARCA4 gene. This substitution is predicted to create a minor amino acid change from a threonine to an alanine at position 565 of the protein, NP_001122321.1(SMARCA4):p.(Thr565Ala). The threonine at this position has very high conservation (100 vertebrates, UCSC) and is not situated in a known domain. In silico software predictions of the pathogenicity of this variant are conflicting (Polyphen, SIFT, CADD, Mutation Taster). The variant is not present in the gnomAD population database and has not been previously reported in clinical cases. Based on information available at the time of curation, this variant has been classified as a VUS. Legend: (P) - Pathogenic, (N) - Neutral, (B) - Benign

NM_003072.5(SMARCA4):c.1693A>G (p.Thr565Ala)

Gene: SMARCA4 (SWI/SNF related BAF chromatin remodeling complex subunit ATPase 4; plus strand). Cytogenetic location: 19p13.2.
Variant type: single nucleotide variant.
Coding change: c.1693A>G on transcript NM_003072.5 (MANE Select); coding-DNA position 1693, A replaced by G.
Protein change: p.Thr565Ala; replaces threonine 565 with alanine.
Molecular consequence: missense variant. On other transcripts: non-coding transcript variant (1).
Genome position (GRCh38, 1-based): chr19:10,996,312, A>G. VCF-style: chr19-10996312-A-G. GRCh37 (hg19) VCF-style: chr19-11106988-A-G.
Other names: c.1693A>G, p.Thr565Ala (NM_001128844.3, NM_001128845.2, NM_001128846.2 and 5 more transcripts); short protein forms T565A.
Identifiers: ClinVar variation 1374544 (VCV001374544.10), dbSNP rs765974121, ClinGen allele CA305291287.